The following is an entry in ClinVar:

ClinVar aggregate classification (germline): Likely pathogenic (1 of 4 stars; one submission).

gnomAD v4.1: 36 of 1,478,050 alleles (0.0024%); highest among the groups gnomAD compares: Non-Finnish European, 0.0032%; no homozygotes.

Submission:

Labcorp Genetics (formerly Invitae), Labcorp
Classification: Likely pathogenic. Last evaluated: 2025-03-19. Review status: criteria provided, single submitter. Criteria: Invitae Variant Classification Sherloc (09022015). Collection method: clinical testing. Allele origin: germline.
Comment: This sequence change affects an acceptor splice site in intron 2 of the TMPRSS15 gene. It is expected to disrupt RNA splicing. Variants that disrupt the donor or acceptor splice site typically lead to a loss of protein function (PMID: 16199547), and loss-of-function variants in TMPRSS15 are known to be pathogenic (PMID: 11719902). The frequency data for this variant in the population databases is considered unreliable, as metrics indicate poor data quality at this position in the gnomAD database. This variant has not been reported in the literature in individuals affected with TMPRSS15-related conditions. Algorithms developed to predict the effect of sequence changes on RNA splicing suggest that this variant may disrupt the consensus splice site. In summary, the currently available evidence indicates that the variant is pathogenic, but additional data are needed to prove that conclusively. Therefore, this variant has been classified as Likely Pathogenic.

Literature cited by the submitters: PubMed 16199547; PubMed 11719902.

NM_002772.3(TMPRSS15):c.277-2A>G

Gene: TMPRSS15 (transmembrane serine protease 15; minus strand). Cytogenetic location: 21q21.1.
Variant type: single nucleotide variant.
Coding change: c.277-2A>G on transcript NM_002772.3 (MANE Select); the canonical splice acceptor site of the intron before coding-DNA position 277, A replaced by G.
Molecular consequence: splice acceptor variant.
Genome position (GRCh38, 1-based): chr21:18,397,948, T>C on the plus strand (A>G on the coding strand, the complement: TMPRSS15 is on the minus strand). VCF-style: chr21-18397948-T-C. GRCh37 (hg19) VCF-style: chr21-19770265-T-C.
Other names: c.277-2A>G (NM_001428057.1, NM_001428056.1).
Identifiers: ClinVar variation 4774802 (VCV004774802.1).